The following is an entry in ClinVar:

NM_000539.3(RHO):c.532T>C (p.Tyr178His)

Gene: RHO (rhodopsin; plus strand). Cytogenetic location: 3q22.1.
Variant type: single nucleotide variant.
Coding change: c.532T>C on transcript NM_000539.3 (MANE Select); coding-DNA position 532, T replaced by C.
Protein change: p.Tyr178His; replaces tyrosine 178 with histidine.
Molecular consequence: missense variant.
Genome position (GRCh38, 1-based): chr3:129,532,252, T>C. VCF-style: chr3-129532252-T-C. GRCh37 (hg19) VCF-style: chr3-129251095-T-C.
Other names: short protein forms Y178H.
Identifiers: ClinVar variation 867225 (VCV000867225.13), dbSNP rs2084785435, ClinGen allele CA354499057.

ClinVar aggregate classification (germline): Pathogenic/Likely pathogenic. Review status: criteria provided, multiple submitters, no conflicts (2 of 4 stars). 3 submissions from 3 submitters: Pathogenic (1); Likely pathogenic (2). Last evaluated 2025-05-11.

Conditions:
RHO-related disorder. Also called: RHO-related condition.
Retinitis pigmentosa 4 (RP4). Also called: RETINITIS PIGMENTOSA, RHODOPSIN-RELATED. Identifiers: Orphanet 791, MedGen C3151001, MONDO:0013395, OMIM 613731.

Submissions (3):

Labcorp Genetics (formerly Invitae), Labcorp
Classification: Pathogenic. Last evaluated: 2025-05-11. Review status: criteria provided, single submitter. Criteria: Invitae Variant Classification Sherloc (09022015). Collection method: clinical testing. Allele origin: germline.
Comment: This sequence change replaces tyrosine, which is neutral and polar, with histidine, which is basic and polar, at codon 178 of the RHO protein (p.Tyr178His). This variant is not present in population databases (gnomAD no frequency). This missense change has been observed in individuals with clinical features of autosomal dominant retinitis pigmentosa (PMID: 32037395). ClinVar contains an entry for this variant (Variation ID: 867225). Invitae Evidence Modeling of protein sequence and biophysical properties (such as structural, functional, and spatial information, amino acid conservation, physicochemical variation, residue mobility, and thermodynamic stability) indicates that this missense variant is expected to disrupt RHO protein function with a positive predictive value of 95%. This variant disrupts the p.Tyr178 amino acid residue in RHO. Other variant(s) that disrupt this residue have been determined to be pathogenic (PMID: 1862076, 25221422, 29847639, 30240733, 30718709). This suggests that this residue is clinically significant, and that variants that disrupt this residue are likely to be disease-causing. For these reasons, this variant has been classified as Pathogenic.

Blueprint Genetics
Classification: Likely pathogenic for RHO-related disorders. Last evaluated: 2023-12-20. Review status: criteria provided, single submitter. Criteria: ACMG Guidelines, 2015. Collection method: clinical testing. Allele origin: germline. Affected: yes. Observed: 5 variant alleles.

Centre for Genomic Medicine, Manchester, Central Manchester University Hospitals
Classification: Likely pathogenic for Retinitis pigmentosa 4. Last evaluated: 2020-09-01. Review status: criteria provided, single submitter. Criteria: ACMG Guidelines, 2015. Collection method: clinical testing. Allele origin: germline. Affected: yes. Observed: 1 heterozygote.

Literature cited by the submitters: PubMed 32037395 (cited by Labcorp Genetics (formerly Invitae), Labcorp); PubMed 1862076 (cited by Labcorp Genetics (formerly Invitae), Labcorp); PubMed 25221422 (cited by Labcorp Genetics (formerly Invitae), Labcorp); PubMed 29847639 (cited by Labcorp Genetics (formerly Invitae), Labcorp); PubMed 30240733 (cited by Labcorp Genetics (formerly Invitae), Labcorp); PubMed 30718709 (cited by Labcorp Genetics (formerly Invitae), Labcorp).